The following is an entry in ClinVar:

ClinVar aggregate classification (germline): Uncertain significance (1 of 4 stars; one submission).

Conditions:
Combined oxidative phosphorylation defect type 17. Also called: Combined oxidative phosphorylation deficiency 17. Identifiers: Orphanet 369913, MedGen C3809526, MONDO:0014190, OMIM 615440.

Allele frequency attached by ClinVar (database versions not stated): ExAC 0.00001; gnomAD exomes 0.00001.
gnomAD v4.1: 1 of 1,613,974 alleles (0.000062%); highest among the groups gnomAD compares: East Asian, 0.0022%; no homozygotes.

Submission:

Labcorp Genetics (formerly Invitae), Labcorp
Classification: Uncertain significance for Combined oxidative phosphorylation defect type 17. Last evaluated: 2023-12-18. Review status: criteria provided, single submitter. Criteria: Invitae Variant Classification Sherloc (09022015). Collection method: clinical testing. Allele origin: germline.
Comment: This sequence change replaces valine, which is neutral and non-polar, with isoleucine, which is neutral and non-polar, at codon 674 of the ELAC2 protein (p.Val674Ile). This variant is present in population databases (rs750302074, gnomAD 0.006%). This variant has not been reported in the literature in individuals affected with ELAC2-related conditions. ClinVar contains an entry for this variant (Variation ID: 1442204). Advanced modeling of protein sequence and biophysical properties (such as structural, functional, and spatial information, amino acid conservation, physicochemical variation, residue mobility, and thermodynamic stability) performed at Invitae indicates that this missense variant is not expected to disrupt ELAC2 protein function with a negative predictive value of 80%. In summary, the available evidence is currently insufficient to determine the role of this variant in disease. Therefore, it has been classified as a Variant of Uncertain Significance.

NM_018127.7(ELAC2):c.2020G>A (p.Val674Ile)

Gene: ELAC2 (elaC ribonuclease Z 2; minus strand). Cytogenetic location: 17p12.
Variant type: single nucleotide variant.
Coding change: c.2020G>A on transcript NM_018127.7 (MANE Select); coding-DNA position 2020, G replaced by A.
Protein change: p.Val674Ile; replaces valine 674 with isoleucine.
Molecular consequence: missense variant.
Genome position (GRCh38, 1-based): chr17:12,994,773, C>T on the plus strand (G>A on the coding strand, the complement: ELAC2 is on the minus strand). VCF-style: chr17-12994773-C-T. GRCh37 (hg19) VCF-style: chr17-12898090-C-T.
Other names: c.1900G>A, p.Val634Ile (NM_001165962.2); c.2017G>A, p.Val673Ile (NM_173717.2); short protein forms V634I, V673I, V674I.
Identifiers: ClinVar variation 1442204 (VCV001442204.5), dbSNP rs750302074, ClinGen allele CA8400975.